The following is an entry in ClinVar:

NM_000141.5(FGFR2):c.-7C>T

Gene: FGFR2 (fibroblast growth factor receptor 2; minus strand). Cytogenetic location: 10q26.13.
Variant type: single nucleotide variant.
Coding change: c.-7C>T on transcript NM_000141.5 (MANE Select); 7 bases upstream of the start codon, C replaced by T.
Molecular consequence: 5 prime UTR variant. On other transcripts: non-coding transcript variant (1).
Genome position (GRCh38, 1-based): chr10:121,593,824, G>A on the plus strand (C>T on the coding strand, the complement: FGFR2 is on the minus strand). VCF-style: chr10-121593824-G-A. GRCh37 (hg19) VCF-style: chr10-123353338-G-A.
Other names: c.-7C>T (NM_001144913.1, NM_001144914.1, NM_001144915.2 and 7 more transcripts).
Identifiers: ClinVar variation 3044916 (VCV003044916.2), dbSNP rs773626594, ClinGen allele CA5721260.

ClinVar aggregate classification (germline): Likely benign (0 of 4 stars; one submission).

Conditions:
FGFR2-related disorder. Identifiers: MedGen CN380096.

Allele frequency attached by ClinVar (database versions not stated): ExAC 0.00002; gnomAD exomes 0.00002; TOPMed 0.00003; gnomAD 0.00004.
gnomAD v4.1: 40 of 1,612,964 alleles (0.0025%); highest among the groups gnomAD compares: Admixed American, 0.012%; no homozygotes.

Submission:

PreventionGenetics, part of Exact Sciences
Classification: Likely benign for FGFR2-related condition. Last evaluated: 2019-05-24. Review status: no assertion criteria provided. Collection method: clinical testing. Allele origin: germline.
Comment: This variant is classified as likely benign based on ACMG/AMP sequence variant interpretation guidelines (Richards et al. 2015 PMID: 25741868, with internal and published modifications).